The following is an entry in ClinVar:

NM_032043.3(BRIP1):c.1795-5T>C

Gene: BRIP1 (BRCA1 interacting DNA helicase 1; minus strand). Cytogenetic location: 17q23.2.
Variant type: single nucleotide variant.
Coding change: c.1795-5T>C on transcript NM_032043.3 (MANE Select); 5 bases into the intron before coding-DNA position 1795, T replaced by C.
Molecular consequence: intron variant.
Genome position (GRCh38, 1-based): chr17:61,780,406, A>G on the plus strand (T>C on the coding strand, the complement: BRIP1 is on the minus strand). VCF-style: chr17-61780406-A-G. GRCh37 (hg19) VCF-style: chr17-59857767-A-G.
Other names: c.1795-5T>C (NM_032043.2).
Identifiers: ClinVar variation 3378781 (VCV003378781.4).
Genomic context (GRCh38, chr17:61,780,406, plus strand): 5'-AATGTACCAGATGTCAAAACAATGGTCTGAACTTTGCCATTAATATCTGAAAAGGCCTAA[A>G]AGAAAACAACATTAGATAAATAAAATTATCTTTAGAAGAGGCTGGGCAAAGTGGCTCACA-3'

ClinVar aggregate classification (germline): Conflicting classifications of pathogenicity. Review status: criteria provided, conflicting classifications (1 of 4 stars). 3 submissions from 3 submitters: Uncertain significance (1); Likely benign (2). Last evaluated 2025-02-27.

Conditions:
Fanconi anemia complementation group J. Also called: BRIP1-Related Fanconi Anemia. Identifiers: Orphanet 84, MedGen C1836860, MONDO:0012187, OMIM 609054.
Familial cancer of breast. Also called: hereditary breast carcinoma; BREAST CANCER, FAMILIAL; Hereditary breast cancer. Identifiers: Orphanet 227535, MedGen C0346153, MONDO:0016419, OMIM 114480. Disease mechanism: loss of function.
Hereditary cancer-predisposing syndrome. Also called: Hereditary Cancer Syndrome; Tumor predisposition; Hereditary neoplastic syndrome; Neoplastic Syndromes, Hereditary. Identifiers: Orphanet 140162, MedGen C0027672, MeSH D009386, MONDO:0015356.

Submissions (3):

Ambry Genetics
Classification: Uncertain significance for Hereditary cancer-predisposing syndrome. Last evaluated: 2025-02-27. Review status: criteria provided, single submitter. Criteria: Ambry Variant Classification Scheme 2023. Collection method: clinical testing. Allele origin: germline.
Comment: The c.1795-5T>C intronic variant results from a T to C substitution 5 nucleotides upstream from coding exon 12 in the BRIP1 gene. This nucleotide position is well conserved in available vertebrate species. In silico splice site analysis for this alteration is inconclusive. Based on the available evidence, the clinical significance of this variant remains unclear.

Myriad Genetics, Inc.
Classification: Likely benign for Familial cancer of breast. Last evaluated: 2024-08-29. Review status: criteria provided, single submitter. Criteria: Myriad Autosomal Dominant, Autosomal Recessive and X-Linked Classification Criteria (2023). Collection method: clinical testing. Allele origin: unknown.
Comment: This variant is considered likely benign. This variant is intronic and is not expected to impact mRNA splicing.

Labcorp Genetics (formerly Invitae), Labcorp
Classification: Likely benign for Familial cancer of breast; Fanconi anemia complementation group J. Last evaluated: 2024-07-02. Review status: criteria provided, single submitter. Criteria: Invitae Variant Classification Sherloc (09022015). Collection method: clinical testing. Allele origin: germline.